The following is an entry in ClinVar:

ClinVar aggregate classification (germline): Uncertain significance. Review status: criteria provided, multiple submitters, no conflicts (2 of 4 stars). 3 submissions from 3 submitters: Uncertain significance (3). Last evaluated 2023-07-07.

Conditions:
Inborn genetic diseases. Identifiers: MedGen C0950123, MeSH D030342.

Allele frequency attached by ClinVar (database versions not stated): gnomAD exomes below 0.00001 and 0.00001; gnomAD 0.00001; TOPMed 0.00001.
gnomAD v4.1: 2 of 1,613,644 alleles (0.00012%); highest among the groups gnomAD compares: Non-Finnish European, 0.00017%; no homozygotes.

Submissions (3):

Labcorp Genetics (formerly Invitae), Labcorp
Classification: Uncertain significance. Last evaluated: 2023-07-07. Review status: criteria provided, single submitter. Criteria: Invitae Variant Classification Sherloc (09022015). Collection method: clinical testing. Allele origin: germline.
Comment: This sequence change replaces glycine, which is neutral and non-polar, with arginine, which is basic and polar, at codon 168 of the ASAH1 protein (p.Gly168Arg). This variant is present in population databases (no rsID available, gnomAD 0.0009%). In summary, the available evidence is currently insufficient to determine the role of this variant in disease. Therefore, it has been classified as a Variant of Uncertain Significance. An algorithm developed to predict the effect of missense changes on protein structure and function (PolyPhen-2) suggests that this variant is likely to be disruptive. ClinVar contains an entry for this variant (Variation ID: 1417358). This variant has not been reported in the literature in individuals affected with ASAH1-related conditions.

Mayo Clinic Laboratories, Mayo Clinic
Classification: Uncertain significance. Last evaluated: 2022-12-27. Review status: criteria provided, single submitter. Criteria: ACMG Guidelines, 2015. Collection method: clinical testing. Allele origin: germline. Observed: 1 variant allele.
Comment: PP3, PM2

Ambry Genetics
Classification: Uncertain significance for Inborn genetic diseases. Last evaluated: 2022-07-26. Review status: criteria provided, single submitter. Criteria: Ambry Variant Classification Scheme 2023. Collection method: clinical testing. Allele origin: germline.

NM_177924.5(ASAH1):c.502G>A (p.Gly168Arg)

Gene: ASAH1 (N-acylsphingosine amidohydrolase 1; minus strand). Cytogenetic location: 8p22.
Variant type: single nucleotide variant.
Coding change: c.502G>A on transcript NM_177924.5 (MANE Select); coding-DNA position 502, G replaced by A.
Protein change: p.Gly168Arg; replaces glycine 168 with arginine.
Molecular consequence: missense variant.
Genome position (GRCh38, 1-based): chr8:18,063,186, C>T on the plus strand (G>A on the coding strand, the complement: ASAH1 is on the minus strand). VCF-style: chr8-18063186-C-T. GRCh37 (hg19) VCF-style: chr8-17920695-C-T.
Other names: p.Gly168Arg; c.484G>A, p.Gly162Arg (NM_001127505.3); c.307G>A, p.Gly103Arg (NM_001363743.2); c.550G>A, p.Gly184Arg (NM_004315.6); c.502G>A (NM_177924.3); short protein forms G162R, G184R, G103R, G168R.
Identifiers: ClinVar variation 1417358 (VCV001417358.6), dbSNP rs1421841663, ClinGen allele CA370430995.
Genomic context (GRCh38, chr8:18,063,186, plus strand): 5'-CCAAAAAGCTGGGATTACAGGCGTGAACCACCATGCCTGACCCTTTGTTCTTTACTTACC[C>T]AAGAAATACTCCAAAATCCATGTTTCTCCCATGTATTAGATGACCTATTTGAAGGTAGAC-3'
Protein context (NP_808592.2, residues 158-178): GRNMDFGVFL[Gly168Arg]WNINNDTWVI